The following is an entry in ClinVar:

NM_000059.4(BRCA2):c.316+1482G>A

Gene: BRCA2 (BRCA2 DNA repair associated; plus strand). Cytogenetic location: 13q13.1.
Variant type: single nucleotide variant.
Coding change: c.316+1482G>A on transcript NM_000059.4 (MANE Select); 1482 bases into the intron after coding-DNA position 316, G replaced by A.
Molecular consequence: intron variant.
Genome position (GRCh38, 1-based): chr13:32,320,807, G>A. VCF-style: chr13-32320807-G-A. GRCh37 (hg19) VCF-style: chr13-32894944-G-A.
Other names: IVS 3+1482G>A.
Identifiers: ClinVar variation 209627 (VCV000209627.1), dbSNP rs191199339, ClinGen allele CA276596.

ClinVar aggregate classification (germline): Benign (3 of 4 stars; one submission).

Conditions:
Breast-ovarian cancer, familial, susceptibility to, 2 (BROVCA2). Also called: BRCA2 Hereditary Breast and Ovarian Cancer. Identifiers: Orphanet 145, MedGen C2675520, MONDO:0012933, OMIM 612555. Disease mechanism: loss of function.

Allele frequency attached by ClinVar (database versions not stated): gnomAD 0.00316 and 0.00331; TOPMed 0.00353; 1000 Genomes Project 30x 0.00531; 1000 Genomes Project 0.00599.

Submission:

Evidence-based Network for the Interpretation of Germline Mutant Alleles (ENIGMA)
Classification: Benign for Breast-ovarian cancer, familial 2. Last evaluated: 2015-01-12. Review status: reviewed by expert panel. Criteria: ENIGMA BRCA1/2 Classification Criteria (2015). Collection method: curation. Allele origin: germline.
Comment: Class 1 not pathogenic based on frequency >1% in an outbred sampleset. Frequency 0.01016 (African), derived from 1000 genomes (2012-04-30).